The following is an entry in ClinVar:

NM_000350.3(ABCA4):c.4849-7C>A

Genes: ABCA4 (ATP binding cassette subfamily A member 4; minus strand), LOC126805793 (CDK7 strongly-dependent group 2 enhancer GRCh37_chr1:94486302-94487501; plus strand). Cytogenetic location: 1p22.1.
Variant type: single nucleotide variant.
Coding change: c.4849-7C>A on transcript NM_000350.3 (MANE Select); 7 bases into the intron before coding-DNA position 4849, C replaced by A.
Molecular consequence: intron variant.
Genome position (GRCh38, 1-based): chr1:94,021,416, G>T on the plus strand (C>A on the coding strand, the complement: ABCA4 is on the minus strand). VCF-style: chr1-94021416-G-T. GRCh37 (hg19) VCF-style: chr1-94486972-G-T.
Other names: c.4627-7C>A (NM_001425324.1).
Identifiers: ClinVar variation 4292031 (VCV004292031.1).

ClinVar aggregate classification (germline): Uncertain significance (1 of 4 stars; one submission).

Conditions:
Severe early-childhood-onset retinal dystrophy (STGD1). Also called: Stargardt macular dystrophy; Juvenile onset macular degeneration; Stargardt disease 1; MACULAR DYSTROPHY WITH FLECKS, TYPE 1; STGD. Identifiers: Orphanet 364055, Orphanet 827, MedGen C1855465, MeSH D000080362, MONDO:0009549, OMIM 248200.

Submission:

3billion
Classification: Uncertain significance for Severe early-childhood-onset retinal dystrophy. Last evaluated: 2025-01-20. Review status: criteria provided, single submitter. Criteria: ACMG Guidelines, 2015. Collection method: clinical testing. Allele origin: germline. Affected: yes.
Comment: The variant is not observed in the gnomAD v4.1.0 dataset. Predicted Consequence/Location: Intron variant Prediction of the variant by In silico tools to alter splicing and produce an abnormal transcript is uncertain [SpliceAI: 0.19 (spliceogenicity >=0.2, non-spliceogenicity <0.1)]. Therefore, this variant is classified as VUS according to the recommendation of ACMG/AMP guideline.